The following is an entry in ClinVar:

ClinVar aggregate classification (germline): Uncertain significance (1 of 4 stars; one submission).

Conditions:
MGAT2-congenital disorder of glycosylation. Also called: MENTAL RETARDATION, GROWTH RETARDATION, PROMINENT COLUMELLA, AND OPEN MOUTH; Alkuraya syndrome; CDG IIa; MGAT2-CDG; Congenital disorder of glycosylation, type IIa. Identifiers: Orphanet 79329, MedGen C2931008, MONDO:0008908, OMIM 212066.

Submission:

Labcorp Genetics (formerly Invitae), Labcorp
Classification: Uncertain significance for MGAT2-congenital disorder of glycosylation. Last evaluated: 2025-01-10. Review status: criteria provided, single submitter. Criteria: Invitae Variant Classification Sherloc (09022015). Collection method: clinical testing. Allele origin: germline.
Comment: This sequence change affects codon 150 of the MGAT2 mRNA. It is a 'silent' change, meaning that it does not change the encoded amino acid sequence of the MGAT2 protein. This variant is not present in population databases (gnomAD no frequency). This variant has not been reported in the literature in individuals affected with MGAT2-related conditions. In summary, the available evidence is currently insufficient to determine the role of this variant in disease. Therefore, it has been classified as a Variant of Uncertain Significance.

NM_002408.4(MGAT2):c.450C>T (p.Ile150=)

Gene: MGAT2 (alpha-1,6-mannosyl-glycoprotein 2-beta-N-acetylglucosaminyltransferase; plus strand). Cytogenetic location: 14q21.3.
Variant type: single nucleotide variant.
Coding change: c.450C>T on transcript NM_002408.4 (MANE Select); coding-DNA position 450, C replaced by T.
Protein change: p.Ile150=; no amino-acid change (isoleucine 150 retained).
Molecular consequence: synonymous variant.
Genome position (GRCh38, 1-based): chr14:49,621,718, C>T. VCF-style: chr14-49621718-C-T. GRCh37 (hg19) VCF-style: chr14-50088436-C-T.
Identifiers: ClinVar variation 3657147 (VCV003657147.2).